The following is an entry in ClinVar:

NM_001130987.2(DYSF):c.5876A>G (p.Asp1959Gly)

Gene: DYSF (dysferlin; plus strand). Cytogenetic location: 2p13.2.
Variant type: single nucleotide variant.
Coding change: c.5876A>G on transcript NM_001130987.2 (MANE Select); coding-DNA position 5876, A replaced by G.
Protein change: p.Asp1959Gly; replaces aspartic acid 1959 with glycine.
Molecular consequence: missense variant.
Genome position (GRCh38, 1-based): chr2:71,674,288, A>G. VCF-style: chr2-71674288-A-G. GRCh37 (hg19) VCF-style: chr2-71901418-A-G.
Other names: c.5780A>G, p.Asp1927Gly (NM_001130977.2); c.5822A>G, p.Asp1941Gly (NM_001130978.2); c.5852A>G, p.Asp1951Gly (NM_001130979.2); c.5810A>G, p.Asp1937Gly (NM_001130980.2); c.5873A>G, p.Asp1958Gly (NM_001130981.2); c.5855A>G, p.Asp1952Gly (NM_001130982.2); c.5825A>G, p.Asp1942Gly (NM_001130983.2); c.5783A>G, p.Asp1928Gly (NM_001130984.2); and 5 more; short protein forms D1906G, D1920G, D1941G, D1907G, D1938G, D1952G, D1958G, D1921G.
Identifiers: ClinVar variation 1379877 (VCV001379877.6), dbSNP rs2152961436, ClinGen allele CA347225432.
Genomic context (GRCh38, chr2:71,674,288, plus strand): 5'-GCAAAATCCCAGCACGAGTGGTGTTCCAGATCTGGGACAATGACAAGTTCTCCTTTGATG[A>G]TTTTCTGGGTAAGCGCTATTGCTAGAATCCCATTCTGCACATGGGGGCTGCCCCAGAACC-3'
Protein context (NP_001124459.1, residues 1949-1969): IWDNDKFSFD[Asp1959Gly]FLGSLQLDLN

ClinVar aggregate classification (germline): Uncertain significance (1 of 4 stars; one submission).

Conditions:
Neuromuscular disease caused by qualitative or quantitative defects of dysferlin. Also called: Qualitative or quantitative defects of dysferlin; Dysferlinopathy. Identifiers: Orphanet 207073, MedGen C2931687, MONDO:0016145.

gnomAD v4.1: 2 of 1,614,144 alleles (0.00012%); highest among the groups gnomAD compares: Non-Finnish European, 0.00017%; no homozygotes.

Submission:

Labcorp Genetics (formerly Invitae), Labcorp
Classification: Uncertain significance for Neuromuscular disease caused by qualitative or quantitative defects of dysferlin. Last evaluated: 2022-01-17. Review status: criteria provided, single submitter. Criteria: Invitae Variant Classification Sherloc (09022015). Collection method: clinical testing. Allele origin: germline.
Comment: In summary, the available evidence is currently insufficient to determine the role of this variant in disease. Therefore, it has been classified as a Variant of Uncertain Significance. Advanced modeling of protein sequence and biophysical properties (such as structural, functional, and spatial information, amino acid conservation, physicochemical variation, residue mobility, and thermodynamic stability) performed at Invitae indicates that this missense variant is expected to disrupt DYSF protein function. This variant has not been reported in the literature in individuals affected with DYSF-related conditions. This variant is not present in population databases (gnomAD no frequency). This sequence change replaces aspartic acid, which is acidic and polar, with glycine, which is neutral and non-polar, at codon 1920 of the DYSF protein (p.Asp1920Gly).